The following is an entry in ClinVar:

NM_001127392.3(MYRF):c.2136C>T (p.Leu712=)

Gene: MYRF (myelin regulatory factor; plus strand). Cytogenetic location: 11q12.2.
Variant type: single nucleotide variant.
Coding change: c.2136C>T on transcript NM_001127392.3 (MANE Select); coding-DNA position 2136, C replaced by T.
Protein change: p.Leu712=; no amino-acid change (leucine 712 retained).
Molecular consequence: synonymous variant.
Genome position (GRCh38, 1-based): chr11:61,779,385, C>T. VCF-style: chr11-61779385-C-T. GRCh37 (hg19) VCF-style: chr11-61546857-C-T.
Other names: c.2109C>T, p.Leu703= (NM_013279.4).
Identifiers: ClinVar variation 2641836 (VCV002641836.24), dbSNP rs1012701200, ClinGen allele CA222936398.

ClinVar aggregate classification (germline): Likely benign (1 of 4 stars; one submission).

Allele frequency attached by ClinVar (database versions not stated): TOPMed 0.00002.
gnomAD v4.1: 39 of 1,551,062 alleles (0.0025%); highest among the groups gnomAD compares: Non-Finnish European, 0.0032%; no homozygotes.

Submission:

CeGaT Center for Human Genetics Tuebingen
Classification: Likely benign. Last evaluated: 2022-03-01. Review status: criteria provided, single submitter. Criteria: CeGaT Center For Human Genetics Tuebingen Variant Classification Criteria Version 2. Collection method: clinical testing. Allele origin: germline. Affected: yes. Observed: 1 variant allele.
Comment: MYRF: BP4, BP7